The following is an entry in ClinVar:

ClinVar aggregate classification (germline): Uncertain significance (1 of 4 stars; one submission).

Conditions:
Dilated cardiomyopathy 1P (CMD1P). Identifiers: Orphanet 154, MedGen C1835928, MONDO:0012362, OMIM 609909.

Submission:

Labcorp Genetics (formerly Invitae), Labcorp
Classification: Uncertain significance for Dilated cardiomyopathy 1P. Last evaluated: 2016-07-31. Review status: criteria provided, single submitter. Criteria: Invitae Variant Classification Sherloc (09022015). Collection method: clinical testing. Allele origin: germline.
Comment: A gross duplication of the genomic region encompassing the full coding sequence of the PLN gene has been identified. The boundaries of this event are unknown as the duplication extends beyond the assayed region for this gene and therefore may encompass additional genes. As the precise location of this duplication is unknown, it may be in tandem or it may be located elsewhere in the genome. A large duplication (624kb) which encompasses this gene was observed in a child affected with Russell-Silver syndrome who also had dilated cardiomyopathy (PMID: 24451198). In summary, this is a novel duplication of the entire coding sequence of the PLN gene. However, the genomic location and orientation of the duplicated sequence is unknown. For these reasons, this change has been classified as a Variant of Uncertain Significance.

NM_002667.4(PLN):c.-97-?_*1344+?dup1600

Genes: CEP85L (centrosomal protein 85L; minus strand), PLN (phospholamban; plus strand). Cytogenetic location: 6q22.31.
Variant type: Duplication.
Coding change: c.-97-?_*1344+?dup1600 on transcript NM_002667.4.
Other names: c.-97-?_*1344+?dup (LRG_390t1).
Identifiers: ClinVar variation 239215 (VCV000239215.1).